The following is an entry in ClinVar:

ClinVar aggregate classification (germline): Uncertain significance. Review status: criteria provided, multiple submitters, no conflicts (2 of 4 stars). 3 submissions from 3 submitters: Uncertain significance (3). Last evaluated 2025-07-14.

Conditions:
Immunodeficiency, common variable, 2 (CVID2). Also called: ANTIBODY DEFICIENCY DUE TO TACI DEFECT; HYPOGAMMAGLOBULINEMIA DUE TO TACI DEFICIENCY. Identifiers: Orphanet 1572, MedGen C3150354, MONDO:0009413, OMIM 240500.
Immunoglobulin A deficiency 2 (IGAD2). Identifiers: MedGen C1836032, MONDO:0012291, OMIM 609529.

Allele frequency attached by ClinVar (database versions not stated): gnomAD exomes 0.00001.
gnomAD v4.1: 5 of 1,614,048 alleles (0.00031%); highest among the groups gnomAD compares: Non-Finnish European, 0.00034%; 1 homozygote.

Submissions (3):

Labcorp Genetics (formerly Invitae), Labcorp
Classification: Uncertain significance for Immunodeficiency, common variable, 2. Last evaluated: 2025-07-14. Review status: criteria provided, single submitter. Criteria: Invitae Variant Classification Sherloc (09022015). Collection method: clinical testing. Allele origin: germline.
Comment: This sequence change replaces glutamic acid, which is acidic and polar, with glycine, which is neutral and non-polar, at codon 18 of the TNFRSF13B protein (p.Glu18Gly). This variant is not present in population databases (gnomAD no frequency). This variant has not been reported in the literature in individuals affected with TNFRSF13B-related conditions. ClinVar contains an entry for this variant (Variation ID: 636449). Invitae Evidence Modeling of protein sequence and biophysical properties (such as structural, functional, and spatial information, amino acid conservation, physicochemical variation, residue mobility, and thermodynamic stability) indicates that this missense variant is not expected to disrupt TNFRSF13B protein function with a negative predictive value of 95%. In summary, the available evidence is currently insufficient to determine the role of this variant in disease. Therefore, it has been classified as a Variant of Uncertain Significance.

Fulgent Genetics
Classification: Uncertain significance for Immunodeficiency, common variable, 2; Immunoglobulin A deficiency 2. Last evaluated: 2022-04-11. Review status: criteria provided, single submitter. Criteria: ACMG Guidelines, 2015. Collection method: clinical testing. Allele origin: unknown.

Blueprint Genetics
Classification: Uncertain significance. Last evaluated: 2017-07-11. Review status: criteria provided, single submitter. Criteria: ACMG Guidelines, 2015. Collection method: clinical testing. Allele origin: germline.

NM_012452.3(TNFRSF13B):c.53A>G (p.Glu18Gly)

Gene: TNFRSF13B (TNF receptor superfamily member 13B; minus strand). Cytogenetic location: 17p11.2.
Variant type: single nucleotide variant.
Coding change: c.53A>G on transcript NM_012452.3 (MANE Select); coding-DNA position 53, A replaced by G.
Protein change: p.Glu18Gly; replaces glutamic acid 18 with glycine.
Molecular consequence: missense variant.
Genome position (GRCh38, 1-based): chr17:16,972,023, T>C on the plus strand (A>G on the coding strand, the complement: TNFRSF13B is on the minus strand). VCF-style: chr17-16972023-T-C. GRCh37 (hg19) VCF-style: chr17-16875337-T-C.
Other names: short protein forms E18G.
Identifiers: ClinVar variation 636449 (VCV000636449.5), dbSNP rs1597672265, ClinGen allele CA398520596.